The following is an entry in ClinVar:

NM_001458.5(FLNC):c.1407G>A (p.Ser469=)

Gene: FLNC (filamin C; plus strand). Cytogenetic location: 7q32.1.
Variant type: single nucleotide variant.
Coding change: c.1407G>A on transcript NM_001458.5 (MANE Select); coding-DNA position 1407, G replaced by A.
Protein change: p.Ser469=; no amino-acid change (serine 469 retained).
Molecular consequence: synonymous variant.
Genome position (GRCh38, 1-based): chr7:128,838,799, G>A. VCF-style: chr7-128838799-G-A. GRCh37 (hg19) VCF-style: chr7-128478853-G-A.
Other names: c.1407G>A (NM_001458.4); c.1407G>A, p.Ser469= (NM_001127487.2).
Identifiers: ClinVar variation 1014239 (VCV001014239.12), dbSNP rs766168758, ClinGen allele CA4474314.
Genomic context (GRCh38, chr7:128,838,799, plus strand): 5'-CGTGCATGTGGCCTTTGCGGGTGCCCCCATCACCCGCAGTCCCTTCCCTGTCCATGTGTC[G>A]GAAGGTAAGGGCCCTTCACTGCTCCCCACGGTAGCCCTTACCAAAGCCAGAGGCTTGCAA-3'
Protein context (NP_001449.3, residues 459-479): ITRSPFPVHV[Ser469=]EACNPNACRA

ClinVar aggregate classification (germline): Likely benign. Review status: criteria provided, multiple submitters, no conflicts (2 of 4 stars). 4 submissions from 4 submitters: Likely benign (4). Last evaluated 2026-01-21.

Conditions:
Myofibrillar myopathy 5. Also called: Filaminopathy (type); FILAMINOPATHY, AUTOSOMAL DOMINANT. Identifiers: Orphanet 171445, MedGen C1836050, MONDO:0012289, OMIM 609524.
Hypertrophic cardiomyopathy 26. Also called: Cardiomyopathy, familial hypertrophic, 26. Identifiers: Orphanet 75249, MedGen C4310749, MONDO:0014883, OMIM 617047.
Distal myopathy with posterior leg and anterior hand involvement. Also called: WILLIAMS DISTAL MYOPATHY. Identifiers: Orphanet 63273, MedGen C3279722, MONDO:0013550, OMIM 614065.
FLNC-related disorder. Also called: FLNC-related disorders; FLNC-related condition.
Cardiovascular phenotype. Identifiers: MedGen CN230736.

Allele frequency attached by ClinVar (database versions not stated): ExAC 0.00001; gnomAD 0.00001; gnomAD exomes 0.00001; TOPMed 0.00002.
gnomAD v4.1: 12 of 1,612,520 alleles (0.00074%); highest among the groups gnomAD compares: Admixed American, 0.0017%; no homozygotes.

Submissions (4):

Labcorp Genetics (formerly Invitae), Labcorp
Classification: Likely benign for Distal myopathy with posterior leg and anterior hand involvement; Myofibrillar myopathy 5; Hypertrophic cardiomyopathy 26. Last evaluated: 2026-01-21. Review status: criteria provided, single submitter. Criteria: Invitae Variant Classification Sherloc (09022015). Collection method: clinical testing. Allele origin: germline.

Ambry Genetics
Classification: Likely benign for Cardiovascular phenotype. Last evaluated: 2025-12-01. Review status: criteria provided, single submitter. Criteria: Ambry Variant Classification Scheme 2023. Collection method: clinical testing. Allele origin: germline.

PreventionGenetics, part of Exact Sciences
Classification: Likely benign for FLNC-related condition. Last evaluated: 2025-02-12. Review status: criteria provided, single submitter. Criteria: ACMG Guidelines, 2015. Collection method: clinical testing. Allele origin: germline.
Comment: This variant is classified as likely benign based on ACMG/AMP sequence variant interpretation guidelines (Richards et al. 2015 PMID: 25741868, with internal and published modifications).

Blueprint Genetics
Classification: Likely benign. Last evaluated: 2023-12-22. Review status: criteria provided, single submitter. Criteria: ACMG Guidelines, 2015. Collection method: clinical testing. Allele origin: germline.